The following is an entry in ClinVar:

ClinVar aggregate classification (germline): Uncertain significance. Review status: criteria provided, multiple submitters, no conflicts (2 of 4 stars). 2 submissions from 2 submitters: Uncertain significance (2). Last evaluated 2026-03-05.

Conditions:
Hajdu-Cheney syndrome (HJCYS). Also called: Acroosteolysis dominant type; ACROOSTEOLYSIS WITH OSTEOPOROSIS AND CHANGES IN SKULL AND MANDIBLE; SERPENTINE FIBULA-POLYCYSTIC KIDNEY SYNDROME. Identifiers: Orphanet 955, MedGen C0917715, MONDO:0007057, OMIM 102500.

Allele frequency attached by ClinVar (database versions not stated): gnomAD exomes below 0.00001.
gnomAD v4.1: 2 of 1,613,626 alleles (0.00012%); highest among the groups gnomAD compares: Non-Finnish European, 0.00017%; no homozygotes.

Submissions (2):

GeneDx
Classification: Uncertain significance. Last evaluated: 2026-03-05. Review status: criteria provided, single submitter. Criteria: GeneDx Variant Classification Process June 2021. Collection method: clinical testing. Allele origin: germline.
Comment: Not observed at significant frequency in large population cohorts (gnomAD); In silico analysis supports that this missense variant has a deleterious effect on protein structure/function; Has not been previously published as pathogenic or benign to our knowledge

Labcorp Genetics (formerly Invitae), Labcorp
Classification: Uncertain significance for Hajdu-Cheney syndrome. Last evaluated: 2023-11-27. Review status: criteria provided, single submitter. Criteria: Invitae Variant Classification Sherloc (09022015). Collection method: clinical testing. Allele origin: germline.
Comment: This sequence change replaces histidine, which is basic and polar, with proline, which is neutral and non-polar, at codon 1118 of the NOTCH2 protein (p.His1118Pro). This variant is not present in population databases (gnomAD no frequency). This variant has not been reported in the literature in individuals affected with NOTCH2-related conditions. Advanced modeling of protein sequence and biophysical properties (such as structural, functional, and spatial information, amino acid conservation, physicochemical variation, residue mobility, and thermodynamic stability) performed at Invitae indicates that this missense variant is not expected to disrupt NOTCH2 protein function with a negative predictive value of 80%. In summary, the available evidence is currently insufficient to determine the role of this variant in disease. Therefore, it has been classified as a Variant of Uncertain Significance.

NM_024408.4(NOTCH2):c.3353A>C (p.His1118Pro)

Gene: NOTCH2 (notch receptor 2; minus strand). Cytogenetic location: 1p12.
Variant type: single nucleotide variant.
Coding change: c.3353A>C on transcript NM_024408.4 (MANE Select); coding-DNA position 3353, A replaced by C.
Protein change: p.His1118Pro; replaces histidine 1118 with proline.
Molecular consequence: missense variant.
Genome position (GRCh38, 1-based): chr1:119,937,451, T>G on the plus strand (A>C on the coding strand, the complement: NOTCH2 is on the minus strand). VCF-style: chr1-119937451-T-G. GRCh37 (hg19) VCF-style: chr1-120480074-T-G.
Other names: c.3353A>C (NM_024408.3); c.3353A>C, p.His1118Pro (NM_001200001.2); short protein forms H1118P.
Identifiers: ClinVar variation 2699323 (VCV002699323.4), dbSNP rs2101099215, ClinGen allele CA341852234.